The following is an entry in ClinVar:

ClinVar aggregate classification (germline): Uncertain significance (1 of 4 stars; one submission).

gnomAD v4.1: 1 of 1,613,422 alleles (0.000062%); highest among the groups gnomAD compares: Non-Finnish European, 0.000085%; no homozygotes.

Submission:

Labcorp Genetics (formerly Invitae), Labcorp
Classification: Uncertain significance. Last evaluated: 2020-09-17. Review status: criteria provided, single submitter. Criteria: Invitae Variant Classification Sherloc (09022015). Collection method: clinical testing. Allele origin: germline.
Comment: In summary, the available evidence is currently insufficient to determine the role of this variant in disease. Therefore, it has been classified as a Variant of Uncertain Significance. Advanced modeling of protein sequence and biophysical properties (such as structural, functional, and spatial information, amino acid conservation, physicochemical variation, residue mobility, and thermodynamic stability) performed at Invitae indicates that this missense variant is not expected to disrupt CNGA3 protein function. This variant has not been reported in the literature in individuals with CNGA3-related conditions. This variant is not present in population databases (ExAC no frequency). This sequence change replaces isoleucine with methionine at codon 50 of the CNGA3 protein (p.Ile50Met). The isoleucine residue is weakly conserved and there is a small physicochemical difference between isoleucine and methionine.

NM_001298.3(CNGA3):c.150C>G (p.Ile50Met)

Gene: CNGA3 (cyclic nucleotide gated channel subunit alpha 3; plus strand). Cytogenetic location: 2q11.2.
Variant type: single nucleotide variant.
Coding change: c.150C>G on transcript NM_001298.3 (MANE Select); coding-DNA position 150, C replaced by G.
Protein change: p.Ile50Met; replaces isoleucine 50 with methionine.
Molecular consequence: missense variant.
Genome position (GRCh38, 1-based): chr2:98,377,735, C>G. VCF-style: chr2-98377735-C-G. GRCh37 (hg19) VCF-style: chr2-98994198-C-G.
Other names: c.150C>G, p.Ile50Met (NM_001079878.2); short protein forms I50M.
Identifiers: ClinVar variation 1061336 (VCV001061336.8), dbSNP rs759715897, ClinGen allele CA347830387.